The following is an entry in ClinVar:

NM_004706.4(ARHGEF1):c.1777G>A (p.Glu593Lys)

Gene: ARHGEF1 (Rho guanine nucleotide exchange factor 1; plus strand). Cytogenetic location: 19q13.2.
Variant type: single nucleotide variant.
Coding change: c.1777G>A on transcript NM_004706.4 (MANE Select); coding-DNA position 1777, G replaced by A.
Protein change: p.Glu593Lys; replaces glutamic acid 593 with lysine.
Molecular consequence: missense variant. On other transcripts: non-coding transcript variant (2).
Genome position (GRCh38, 1-based): chr19:41,903,345, G>A. VCF-style: chr19-41903345-G-A. GRCh37 (hg19) VCF-style: chr19-42407495-G-A.
Other names: c.1945G>A, p.Glu649Lys (NM_001396000.1); c.1678G>A, p.Glu560Lys (NM_001396002.1, NM_001396004.1, NM_198977.2); c.1777G>A, p.Glu593Lys (NM_001396003.1, NM_001396006.1); c.1822G>A, p.Glu608Lys (NM_199002.2); short protein forms E560K, E608K, E649K, E593K.
Identifiers: ClinVar variation 2356622 (VCV002356622.6), dbSNP rs144202833, ClinGen allele CA9466480.

ClinVar aggregate classification (germline): Uncertain significance. Review status: criteria provided, multiple submitters, no conflicts (2 of 4 stars). 2 submissions from 2 submitters: Uncertain significance (2). Last evaluated 2025-08-28.

Allele frequency attached by ClinVar (database versions not stated): ExAC 0.00003; ESP Exome Variant Server 0.00008; gnomAD 0.00001; TOPMed 0.00003.
gnomAD v4.1: 38 of 1,613,916 alleles (0.0024%); highest among the groups gnomAD compares: Middle Eastern, 0.016%; no homozygotes.

Submissions (2):

Ambry Genetics
Classification: Uncertain significance. Last evaluated: 2025-08-28. Review status: criteria provided, single submitter. Criteria: Ambry Variant Classification Scheme 2023. Collection method: clinical testing. Allele origin: germline.

Labcorp Genetics (formerly Invitae), Labcorp
Classification: Uncertain significance. Last evaluated: 2025-08-20. Review status: criteria provided, single submitter. Criteria: Invitae Variant Classification Sherloc (09022015). Collection method: clinical testing. Allele origin: germline.
Comment: This sequence change replaces glutamic acid, which is acidic and polar, with lysine, which is basic and polar, at codon 608 of the ARHGEF1 protein (p.Glu608Lys). This variant is present in population databases (rs144202833, gnomAD 0.009%). This variant has not been reported in the literature in individuals affected with ARHGEF1-related conditions. ClinVar contains an entry for this variant (Variation ID: 2356622). An algorithm developed to predict the effect of missense changes on protein structure and function (PolyPhen-2) suggests that this variant is likely to be disruptive. In summary, the available evidence is currently insufficient to determine the role of this variant in disease. Therefore, it has been classified as a Variant of Uncertain Significance.